The following is an entry in ClinVar:

ClinVar aggregate classification (germline): Uncertain significance. Review status: criteria provided, multiple submitters, no conflicts (2 of 4 stars). 2 submissions from 2 submitters: Uncertain significance (2). Last evaluated 2025-05-21.

Conditions:
Joubert syndrome 21 (JBTS21). Identifiers: MedGen C3810212, MONDO:0014288, OMIM 615636.
Inborn genetic diseases. Identifiers: MedGen C0950123, MeSH D030342.

Allele frequency attached by ClinVar (database versions not stated): gnomAD exomes below 0.00001 and 0.00001; gnomAD 0.00001; TOPMed 0.00002; ExAC 0.00003.
gnomAD v4.1: 4 of 1,607,846 alleles (0.00025%); highest among the groups gnomAD compares: East Asian, 0.0067%; no homozygotes.

Submissions (2):

Ambry Genetics
Classification: Uncertain significance for Inborn genetic diseases. Last evaluated: 2025-05-21. Review status: criteria provided, single submitter. Criteria: Ambry Variant Classification Scheme 2023. Collection method: clinical testing. Allele origin: germline.

Labcorp Genetics (formerly Invitae), Labcorp
Classification: Uncertain significance for Joubert syndrome 21. Last evaluated: 2020-08-31. Review status: criteria provided, single submitter. Criteria: Invitae Variant Classification Sherloc (09022015). Collection method: clinical testing. Allele origin: germline.
Comment: In summary, the available evidence is currently insufficient to determine the role of this variant in disease. Therefore, it has been classified as a Variant of Uncertain Significance. Algorithms developed to predict the effect of missense changes on protein structure and function output the following: SIFT: "Tolerated"; PolyPhen-2: "Benign"; Align-GVGD: "Class C0". The leucine amino acid residue is found in multiple mammalian species, suggesting that this missense change does not adversely affect protein function. These predictions have not been confirmed by published functional studies and their clinical significance is uncertain. This variant has not been reported in the literature in individuals with CSPP1-related conditions. This variant is present in population databases (rs754454865, ExAC 0.04%). This sequence change replaces serine with leucine at codon 339 of the CSPP1 protein (p.Ser339Leu). The serine residue is moderately conserved and there is a large physicochemical difference between serine and leucine.

NM_001382391.1(CSPP1):c.989C>T (p.Ser330Leu)

Gene: CSPP1 (centrosome and spindle pole associated protein 1; plus strand). Cytogenetic location: 8q13.2.
Variant type: single nucleotide variant.
Coding change: c.989C>T on transcript NM_001382391.1 (MANE Select); coding-DNA position 989, C replaced by T.
Protein change: p.Ser330Leu; replaces serine 330 with leucine.
Molecular consequence: missense variant. On other transcripts: intron variant (1).
Genome position (GRCh38, 1-based): chr8:67,103,102, C>T. VCF-style: chr8-67103102-C-T. GRCh37 (hg19) VCF-style: chr8-68015337-C-T.
Other names: c.1016C>T, p.Ser339Leu (NM_024790.7); c.951-2803C>T (NM_001364870.1); c.134C>T, p.Ser45Leu (NM_001291339.2); c.908C>T, p.Ser303Leu (NM_001363131.2, NM_001363133.2); c.989C>T, p.Ser330Leu (NM_001363132.2); c.1097C>T, p.Ser366Leu (NM_001364869.1); short protein forms S330L, S366L, S45L, S303L, S339L.
Identifiers: ClinVar variation 1042706 (VCV001042706.9), dbSNP rs754454865, ClinGen allele CA4770409.